The following is an entry in ClinVar:

ClinVar aggregate classification (germline): Pathogenic (1 of 4 stars; one submission).

Submission:

GeneDx
Classification: Pathogenic. Last evaluated: 2018-03-07. Review status: criteria provided, single submitter. Criteria: GeneDx Variant Classification (06012015). Collection method: clinical testing. Allele origin: germline. Affected: yes.
Comment: The Q238X variant in the FOXC2 gene has been reported previously in a patient with micrognathia, cleft palate, left ectopic kidney, and a right duplex kidney (Jones et al., 2017). This variant is predicted to cause loss of normal protein function through protein truncation. The Q238X variant is not observed in large population cohorts (Lek et al., 2016). We interpret Q238X as a pathogenic variant, consistent with the clinical features reported in this individual.

NM_005251.3(FOXC2):c.712C>T (p.Gln238Ter)

Gene: FOXC2 (forkhead box C2; plus strand). Cytogenetic location: 16q24.1.
Variant type: single nucleotide variant.
Coding change: c.712C>T on transcript NM_005251.3 (MANE Select); coding-DNA position 712, C replaced by T.
Protein change: p.Gln238Ter; replaces glutamine 238 with a stop codon.
Molecular consequence: nonsense.
Genome position (GRCh38, 1-based): chr16:86,568,047, C>T. VCF-style: chr16-86568047-C-T. GRCh37 (hg19) VCF-style: chr16-86601653-C-T.
Other names: short protein forms Q238*.
Identifiers: ClinVar variation 523810 (VCV000523810.2), dbSNP rs1555531333, ClinGen allele CA397008233.